The following is an entry in ClinVar:

ClinVar aggregate classification (germline): Uncertain significance (1 of 4 stars; one submission).

Submission:

GeneDx
Classification: Uncertain significance. Last evaluated: 2025-07-18. Review status: criteria provided, single submitter. Criteria: GeneDx Variant Classification Process June 2021. Collection method: clinical testing. Allele origin: germline. Affected: yes.
Comment: Not observed at significant frequency in large population cohorts (gnomAD); In silico analysis suggests that this missense variant does not alter protein structure/function; Has not been previously published as pathogenic or benign to our knowledge

NM_014727.3(KMT2B):c.6539C>T (p.Ala2180Val)

Gene: KMT2B (lysine methyltransferase 2B; plus strand). Cytogenetic location: 19q13.12.
Variant type: single nucleotide variant.
Coding change: c.6539C>T on transcript NM_014727.3 (MANE Select); coding-DNA position 6539, C replaced by T.
Protein change: p.Ala2180Val; replaces alanine 2180 with valine.
Molecular consequence: missense variant.
Genome position (GRCh38, 1-based): chr19:35,733,088, C>T. VCF-style: chr19-35733088-C-T. GRCh37 (hg19) VCF-style: chr19-36223989-C-T.
Other names: short protein forms A2180V.
Identifiers: ClinVar variation 4686089 (VCV004686089.1).